The following is an entry in ClinVar:

NM_015702.3(MMADHC):c.10-9C>G

Gene: MMADHC (metabolism of cobalamin associated D; minus strand). Cytogenetic location: 2q23.2.
Variant type: single nucleotide variant.
Coding change: c.10-9C>G on transcript NM_015702.3 (MANE Select); 9 bases into the intron before coding-DNA position 10, C replaced by G.
Molecular consequence: intron variant.
Genome position (GRCh38, 1-based): chr2:149,582,280, G>C on the plus strand (C>G on the coding strand, the complement: MMADHC is on the minus strand). VCF-style: chr2-149582280-G-C. GRCh37 (hg19) VCF-style: chr2-150438794-G-C.
Other names: c.10-9C>G (NM_015702.2).
Identifiers: ClinVar variation 991192 (VCV000991192.9), dbSNP rs376032730, ClinGen allele CA1902513.

ClinVar aggregate classification (germline): Likely benign. Review status: criteria provided, single submitter (1 of 4 stars). 3 submissions from 3 submitters: Likely benign (1). 2 of the submissions do not count toward it. Last evaluated 2025-12-01.

Conditions:
MMADHC-related disorder. Also called: MMADHC-related condition.
Methylmalonic aciduria and homocystinuria type cblD (MAHCD). Also called: METHYLMALONIC ACIDEMIA, cblH TYPE; Methylmalonic aciduria with homocystinuria cblD type. Identifiers: Orphanet 622, Orphanet 79283, MedGen C1848552, MONDO:0010185, OMIM 277410.

Allele frequency attached by ClinVar (database versions not stated): gnomAD exomes 0.00001 and 0.00004; ExAC 0.00003; ESP Exome Variant Server 0.00008; TOPMed 0.00008; gnomAD 0.00011 and 0.00013.
gnomAD v4.1: 30 of 1,612,964 alleles (0.0019%); highest among the groups gnomAD compares: African/African-American, 0.032%; no homozygotes.

Submissions (3):

Labcorp Genetics (formerly Invitae), Labcorp
Classification: Likely benign for Methylmalonic aciduria and homocystinuria type cblD. Last evaluated: 2025-12-01. Review status: criteria provided, single submitter. Criteria: Invitae Variant Classification Sherloc (09022015). Collection method: clinical testing. Allele origin: germline.

Natera, Inc.
Classification: Uncertain significance for Methylmalonic aciduria with homocystinuria cblD type. Last evaluated: 2020-08-13. Review status: no assertion criteria provided. Collection method: clinical testing. Allele origin: germline. Not counted in ClinVar's aggregate classification.

PreventionGenetics, part of Exact Sciences
Classification: Likely benign for MMADHC-related condition. Last evaluated: 2019-12-23. Review status: no assertion criteria provided. Collection method: clinical testing. Allele origin: germline. Not counted in ClinVar's aggregate classification.
Comment: This variant is classified as likely benign based on ACMG/AMP sequence variant interpretation guidelines (Richards et al. 2015 PMID: 25741868, with internal and published modifications).